The following is an entry in ClinVar:

ClinVar aggregate classification (germline): Uncertain significance (1 of 4 stars; one submission).

Submission:

Labcorp Genetics (formerly Invitae), Labcorp
Classification: Uncertain significance. Last evaluated: 2024-02-24. Review status: criteria provided, single submitter. Criteria: Invitae Variant Classification Sherloc (09022015). Collection method: clinical testing. Allele origin: germline.
Comment: This sequence change replaces glycine, which is neutral and non-polar, with glutamic acid, which is acidic and polar, at codon 47 of the FAM111A protein (p.Gly47Glu). This variant is not present in population databases (gnomAD no frequency). This variant has not been reported in the literature in individuals affected with FAM111A-related conditions. An algorithm developed to predict the effect of missense changes on protein structure and function (PolyPhen-2) suggests that this variant is likely to be tolerated. In summary, the available evidence is currently insufficient to determine the role of this variant in disease. Therefore, it has been classified as a Variant of Uncertain Significance.

NM_001312909.2(FAM111A):c.140G>A (p.Gly47Glu)

Gene: FAM111A (FAM111 trypsin like peptidase A; plus strand). Cytogenetic location: 11q12.1.
Variant type: single nucleotide variant.
Coding change: c.140G>A on transcript NM_001312909.2 (MANE Select); coding-DNA position 140, G replaced by A.
Protein change: p.Gly47Glu; replaces glycine 47 with glutamic acid.
Molecular consequence: missense variant.
Genome position (GRCh38, 1-based): chr11:59,151,808, G>A. VCF-style: chr11-59151808-G-A. GRCh37 (hg19) VCF-style: chr11-58919281-G-A.
Other names: c.140G>A, p.Gly47Glu (NM_001142519.3, NM_001142520.3, NM_001142521.3 and 29 more transcripts); short protein forms G47E.
Identifiers: ClinVar variation 3679452 (VCV003679452.2).